The following is an entry in ClinVar:

NM_000687.4(AHCY):c.266C>T (p.Ala89Val)

Gene: AHCY (adenosylhomocysteinase; minus strand). Cytogenetic location: 20q11.22.
Variant type: single nucleotide variant.
Coding change: c.266C>T on transcript NM_000687.4 (MANE Select); coding-DNA position 266, C replaced by T.
Protein change: p.Ala89Val; replaces alanine 89 with valine.
Molecular consequence: missense variant.
Genome position (GRCh38, 1-based): chr20:34,294,110, G>A on the plus strand (C>T on the coding strand, the complement: AHCY is on the minus strand). VCF-style: chr20-34294110-G-A. GRCh37 (hg19) VCF-style: chr20-32881916-G-A.
Other names: c.182C>T, p.Ala61Val (NM_001161766.2, NM_001322084.2, NM_001322085.2); c.272C>T, p.Ala91Val (NM_001322086.2); c.266C>T, p.Ala89Val (NM_001362750.2); short protein forms A61V, A89V, A91V.
Identifiers: ClinVar variation 522065 (VCV000522065.6), dbSNP rs755222515, ClinGen allele CA9821065.
Genomic context (GRCh38, chr20:34,294,110, plus strand): 5'-ATTCCACGTCTCAGAAGCAAGCAGGACTTACCCGGAATGCCAGCCTTGGCAATGGCAGCC[G>A]CCGCATGGTCCTGGGTGGAGAAGATGTTGCAGCTGGACCACTGCACCTAGAAGAGCCATC-3'
Protein context (NP_000678.1, residues 79-99): CNIFSTQDHA[Ala89Val]AAIAKAGIPV

ClinVar aggregate classification (germline): Conflicting classifications of pathogenicity. Review status: criteria provided, conflicting classifications (1 of 4 stars). 3 submissions from 3 submitters: Likely pathogenic (1); Uncertain significance (1). 1 of the submissions does not count toward it. Last evaluated 2025-10-09.

Conditions:
Hypermethioninemia with deficiency of S-adenosylhomocysteine hydrolase. Identifiers: Orphanet 88618, MedGen C3151058, MONDO:0013404, OMIM 613752.
Rhabdomyolysis. Also called: Rhabdomyolysis (disease). Identifiers: MedGen C0035410, HP:0003201, MONDO:0005290.
Inborn genetic diseases. Identifiers: MedGen C0950123, MeSH D030342.

Allele frequency attached by ClinVar (database versions not stated): ExAC 0.00001; gnomAD 0.00002 and 0.00003; gnomAD exomes 0.00002; TOPMed 0.00002.
gnomAD v4.1: 27 of 1,613,938 alleles (0.0017%); highest among the groups gnomAD compares: Non-Finnish European, 0.0021%; no homozygotes.

Submissions (3):

Labcorp Genetics (formerly Invitae), Labcorp
Classification: Likely pathogenic for Hypermethioninemia with deficiency of S-adenosylhomocysteine hydrolase. Last evaluated: 2025-10-09. Review status: criteria provided, single submitter. Criteria: Invitae Variant Classification Sherloc (09022015). Collection method: clinical testing. Allele origin: germline.
Comment: This sequence change replaces alanine, which is neutral and non-polar, with valine, which is neutral and non-polar, at codon 89 of the AHCY protein (p.Ala89Val). This variant is present in population databases (rs755222515, gnomAD 0.003%). This missense change has been observed in individual(s) with AHCY-related conditions and/or S-Adenosylhomocysteine hydrolase deficiency (PMID: 16736098, 28779239, 33072517). ClinVar contains an entry for this variant (Variation ID: 522065). Invitae Evidence Modeling of protein sequence and biophysical properties (such as structural, functional, and spatial information, amino acid conservation, physicochemical variation, residue mobility, and thermodynamic stability) indicates that this missense variant is expected to disrupt AHCY protein function with a positive predictive value of 95%. Experimental studies have shown that this missense change affects AHCY function (PMID: 28647132). In summary, the currently available evidence indicates that the variant is pathogenic, but additional data are needed to prove that conclusively. Therefore, this variant has been classified as Likely Pathogenic.

Ambry Genetics
Classification: Uncertain significance for Inborn genetic diseases. Last evaluated: 2017-09-15. Review status: criteria provided, single submitter. Criteria: Ambry exome assertion method (8-5-2015). Collection method: clinical testing. Allele origin: germline. Affected: yes. Observed: 1 variant allele.

Yale Center for Mendelian Genomics, Yale University
Classification: Likely pathogenic for Rhabdomyolysis. Last evaluated: 2017-08-05. Review status: no assertion criteria provided. Collection method: literature only. Allele origin: germline. Affected: yes. Observed: 1 compound heterozygote. Not counted in ClinVar's aggregate classification.

Literature cited by the submitters: PubMed 16736098 (cited by Labcorp Genetics (formerly Invitae), Labcorp and Ambry Genetics); PubMed 28779239 (cited by Labcorp Genetics (formerly Invitae), Labcorp and Yale Center for Mendelian Genomics, Yale University); PubMed 33072517 (cited by Labcorp Genetics (formerly Invitae), Labcorp); PubMed 28647132 (cited by Labcorp Genetics (formerly Invitae), Labcorp).